The following is an entry in ClinVar:

ClinVar aggregate classification (germline): Uncertain significance (1 of 4 stars; one submission).

Allele frequency attached by ClinVar (database versions not stated): gnomAD 0.00001; gnomAD exomes 0.00001; TOPMed 0.00001.

Submission:

Labcorp Genetics (formerly Invitae), Labcorp
Classification: Uncertain significance. Last evaluated: 2021-09-24. Review status: criteria provided, single submitter. Criteria: Invitae Variant Classification Sherloc (09022015). Collection method: clinical testing. Allele origin: germline.
Comment: In summary, the available evidence is currently insufficient to determine the role of this variant in disease. Therefore, it has been classified as a Variant of Uncertain Significance. Algorithms developed to predict the effect of missense changes on protein structure and function output the following: SIFT: "Tolerated"; PolyPhen-2: "Benign"; Align-GVGD: "Class C0". The threonine amino acid residue is found in multiple mammalian species, which suggests that this missense change does not adversely affect protein function. This variant has not been reported in the literature in individuals affected with PCARE-related conditions. This variant is not present in population databases (ExAC no frequency). This sequence change replaces isoleucine with threonine at codon 796 of the PCARE protein (p.Ile796Thr). The isoleucine residue is moderately conserved and there is a moderate physicochemical difference between isoleucine and threonine.

NM_001029883.3(PCARE):c.2387T>C (p.Ile796Thr)

Gene: PCARE (photoreceptor cilium actin regulator; minus strand). Cytogenetic location: 2p23.2.
Variant type: single nucleotide variant.
Coding change: c.2387T>C on transcript NM_001029883.3 (MANE Select); coding-DNA position 2387, T replaced by C.
Protein change: p.Ile796Thr; replaces isoleucine 796 with threonine.
Molecular consequence: missense variant.
Genome position (GRCh38, 1-based): chr2:29,071,875, A>G on the plus strand (T>C on the coding strand, the complement: PCARE is on the minus strand). VCF-style: chr2-29071875-A-G. GRCh37 (hg19) VCF-style: chr2-29294741-A-G.
Other names: short protein forms I796T.
Identifiers: ClinVar variation 1524031 (VCV001524031.6), dbSNP rs1249542374, ClinGen allele CA346477646.